The following is an entry in ClinVar:

NM_012295.4(CABIN1):c.5758-8C>G

Gene: CABIN1 (calcineurin binding protein 1; plus strand). Cytogenetic location: 22q11.23.
Variant type: single nucleotide variant.
Coding change: c.5758-8C>G on transcript NM_012295.4 (MANE Select); 8 bases into the intron before coding-DNA position 5758, C replaced by G.
Molecular consequence: intron variant.
Genome position (GRCh38, 1-based): chr22:24,171,705, C>G. VCF-style: chr22-24171705-C-G. GRCh37 (hg19) VCF-style: chr22-24567673-C-G.
Other names: c.5608-8C>G (NM_001201429.2); c.5758-8C>G (NM_001199281.1).
Identifiers: ClinVar variation 3057091 (VCV003057091.2), dbSNP rs200503027, ClinGen allele CA10149857.

ClinVar aggregate classification (germline): Likely benign (0 of 4 stars; one submission).

Conditions:
CABIN1-related disorder. Also called: CABIN1-related condition.

Allele frequency attached by ClinVar (database versions not stated): ESP Exome Variant Server 0.00038; 1000 Genomes Project 30x 0.00016; 1000 Genomes Project 0.00020; gnomAD exomes 0.00043; ExAC 0.00045; gnomAD 0.00046; TOPMed 0.00065.
gnomAD v4.1: 748 of 1,613,936 alleles (0.046%); highest among the groups gnomAD compares: Middle Eastern, 0.71%; 3 homozygotes.

Submission:

PreventionGenetics, part of Exact Sciences
Classification: Likely benign for CABIN1-related condition. Last evaluated: 2020-04-10. Review status: no assertion criteria provided. Collection method: clinical testing. Allele origin: germline.
Comment: This variant is classified as likely benign based on ACMG/AMP sequence variant interpretation guidelines (Richards et al. 2015 PMID: 25741868, with internal and published modifications).